The following is an entry in ClinVar:

NM_001123385.2(BCOR):c.2903A>G (p.Asn968Ser)

Gene: BCOR (BCL6 corepressor; minus strand). Cytogenetic location: Xp11.4.
Variant type: single nucleotide variant.
Coding change: c.2903A>G on transcript NM_001123385.2 (MANE Select); coding-DNA position 2903, A replaced by G.
Protein change: p.Asn968Ser; replaces asparagine 968 with serine.
Molecular consequence: missense variant.
Genome position (GRCh38, 1-based): chrX:40,072,443, T>C on the plus strand (A>G on the coding strand, the complement: BCOR is on the minus strand). VCF-style: chrX-40072443-T-C. GRCh37 (hg19) VCF-style: chrX-39931696-T-C.
Other names: c.2903A>G, p.Asn968Ser (NM_001123383.2, NM_001123384.2, NM_017745.6); short protein forms N968S.
Identifiers: ClinVar variation 1049473 (VCV001049473.1), dbSNP rs2147200517, ClinGen allele CA412741379.

ClinVar aggregate classification (germline): Uncertain significance (0 of 4 stars; one submission).

Submission:

Department of Pathology and Laboratory Medicine, Sinai Health System
Classification: Uncertain significance. Review status: no assertion criteria provided. Collection method: clinical testing. Allele origin: unknown. Affected: yes. Study: The Canadian Open Genetics Repository (COGR).
Comment: The BCOR p.Asn968Ser variant was not identified in the literature nor was it identified in dbSNP, ClinVar, Cosmic or LOVD 3.0. The variant was not identified in the following control databases: the 1000 Genomes Project, the NHLBI GO Exome Sequencing Project, the Exome Aggregation Consortium (August 8th 2016), or the Genome Aggregation Database (March 6, 2019, v2.1.1). The p.Asn968 residue is conserved in mammals and computational analyses (PolyPhen-2, SIFT, AlignGVGD, BLOSUM, MutationTaster) provide inconsistent predictions regarding the impact to the protein; this information is not very predictive of pathogenicity. The variant occurs outside of the splicing consensus sequence and in silico or computational prediction software programs (SpliceSiteFinder, MaxEntScan, NNSPLICE, GeneSplicer) do not predict a difference in splicing. In summary, based on the above information the clinical significance of this variant cannot be determined with certainty at this time. This variant is classified as a variant of uncertain significance.